The following is an entry in ClinVar:

ClinVar aggregate classification (germline): Pathogenic (1 of 4 stars; one submission).

Submission:

Labcorp Genetics (formerly Invitae), Labcorp
Classification: Pathogenic. Last evaluated: 2024-01-24. Review status: criteria provided, single submitter. Criteria: Invitae Variant Classification Sherloc (09022015). Collection method: clinical testing. Allele origin: germline.
Comment: This sequence change creates a premature translational stop signal (p.Asp780Profs*6) in the ABCC2 gene. It is expected to result in an absent or disrupted protein product. Loss-of-function variants in ABCC2 are known to be pathogenic (PMID: 9185779, 16549534, 16952291). This variant is not present in population databases (gnomAD no frequency). This variant has not been reported in the literature in individuals affected with ABCC2-related conditions. For these reasons, this variant has been classified as Pathogenic.

Literature cited by the submitters: PubMed 9185779; PubMed 16549534; PubMed 16952291.

NM_000392.5(ABCC2):c.2337_2338insCC (p.Asp780fs)

Gene: ABCC2 (ATP binding cassette subfamily C member 2; plus strand). Cytogenetic location: 10q24.2.
Variant type: Insertion.
Coding change: c.2337_2338insCC on transcript NM_000392.5 (MANE Select); coding-DNA positions 2337 to 2338, CC inserted.
Protein change: p.Asp780fs; shifts the reading frame from aspartic acid 780.
Molecular consequence: frameshift variant.
Genome position: GRCh38 VCF-style: chr10-99818855-A-ACC. GRCh37 (hg19) VCF-style: chr10-101578612-A-ACC.
Other names: short protein forms D780fs.
Identifiers: ClinVar variation 2803335 (VCV002803335.3), dbSNP rs2492965214, ClinGen allele CA2739270969.